The following is an entry in ClinVar:

NM_022436.3(ABCG5):c.888C>T (p.Asn296=)

Genes: ABCG5 (ATP binding cassette subfamily G member 5; minus strand), DYNC2LI1 (dynein cytoplasmic 2 light intermediate chain 1; plus strand). Cytogenetic location: 2p21.
Variant type: single nucleotide variant.
Coding change: c.888C>T on transcript NM_022436.3 (MANE Select); coding-DNA position 888, C replaced by T.
Protein change: p.Asn296=; no amino-acid change (asparagine 296 retained).
Molecular consequence: synonymous variant. On other transcripts: intron variant (2).
Genome position (GRCh38, 1-based): chr2:43,824,905, G>A on the plus strand (C>T on the coding strand, the complement: ABCG5 is on the minus strand). VCF-style: chr2-43824905-G-A. GRCh37 (hg19) VCF-style: chr2-44052044-G-A.
Other names: c.*16-2481G>A (NM_001348913.2, NM_001348912.2).
Identifiers: ClinVar variation 3061652 (VCV003061652.2), dbSNP rs2466015144, ClinGen allele CA425758364.

ClinVar aggregate classification (germline): Likely benign (0 of 4 stars; one submission).

Conditions:
ABCG5-related disorder. Also called: ABCG5-related condition.

Submission:

PreventionGenetics, part of Exact Sciences
Classification: Likely benign for ABCG5-related condition. Last evaluated: 2022-01-16. Review status: no assertion criteria provided. Collection method: clinical testing. Allele origin: germline.
Comment: This variant is classified as likely benign based on ACMG/AMP sequence variant interpretation guidelines (Richards et al. 2015 PMID: 25741868, with internal and published modifications).